The following is an entry in ClinVar:

ClinVar aggregate classification (germline): Benign. Review status: criteria provided, multiple submitters, no conflicts (2 of 4 stars). 3 submissions from 3 submitters: Benign (3). Last evaluated 2026-02-04.

Allele frequency attached by ClinVar (database versions not stated): gnomAD 0.04674 and 0.04523; gnomAD exomes 0.04844 and 0.06098; ExAC 0.04996; TOPMed 0.04198; 1000 Genomes Project 30x 0.02108; 1000 Genomes Project 0.01957; ESP Exome Variant Server 0.04967.
gnomAD v4.1: 95,747 of 1,613,922 alleles (5.9%); highest among the groups gnomAD compares: Non-Finnish European, 6.8%; 3,298 homozygotes.

Submissions (3):

Labcorp Genetics (formerly Invitae), Labcorp
Classification: Benign. Last evaluated: 2026-02-04. Review status: criteria provided, single submitter. Criteria: Invitae Variant Classification Sherloc (09022015). Collection method: clinical testing. Allele origin: germline.

GeneDx
Classification: Benign. Last evaluated: 2021-05-04. Review status: criteria provided, single submitter. Criteria: GeneDx Variant Classification Process June 2021. Collection method: clinical testing. Allele origin: germline. Affected: yes.
Comment: This variant is associated with the following publications: (PMID: 21675276)

Breakthrough Genomics
Classification: Benign. Review status: criteria provided, single submitter. Criteria: ACMG Guidelines, 2015. Collection method: not provided. Allele origin: germline. Inheritance: Multifactorial inheritance. Affected: yes.

NM_002075.4(GNB3):c.814G>A (p.Gly272Ser)

Genes: CDCA3 (cell division cycle associated 3; minus strand), GNB3 (G protein subunit beta 3; plus strand). Cytogenetic location: 12p13.31.
Variant type: single nucleotide variant.
Coding change: c.814G>A on transcript NM_002075.4 (MANE Select); coding-DNA position 814, G replaced by A.
Protein change: p.Gly272Ser; replaces glycine 272 with serine.
Molecular consequence: missense variant. On other transcripts: 3 prime UTR variant (1).
Genome position (GRCh38, 1-based): chr12:6,845,700, G>A. VCF-style: chr12-6845700-G-A. GRCh37 (hg19) VCF-style: chr12-6954864-G-A.
Other names: c.811G>A, p.Gly271Ser (NM_001297571.2); c.*1088C>T (NM_001297603.3); short protein forms G271S, G272S.
Identifiers: ClinVar variation 1170122 (VCV001170122.12), dbSNP rs5442, ClinGen allele CA6417671.